The following is an entry in ClinVar:

ClinVar aggregate classification (germline): Conflicting classifications of pathogenicity. Review status: criteria provided, conflicting classifications (1 of 4 stars). 7 submissions from 7 submitters: Uncertain significance (5); Likely benign (1). 1 of the submissions does not count toward it. Last evaluated 2026-04-13.

Conditions:
PEX1-related disorder. Also called: PEX1-related condition.
Peroxisome biogenesis disorder 1B (PBD1B). Also called: PEROXISOME BIOGENESIS DISORDER (NALD/IRD); ADRENOLEUKODYSTROPHY, AUTOSOMAL NEONATAL; PEROXISOME BIOGENESIS DISORDER (NEONATAL ADRENOLEUKODYSTROPHY/INFANTILE REFSUM DISEASE); INFANTILE PHYTANIC ACID STORAGE DISEASE; Refsum disease, infantile form; Infantile Refsum disease. Identifiers: Orphanet 44, MedGen C0282527, MONDO:0011101, OMIM 601539.
Heimler syndrome 1 (HMLR1). Also called: PEROXISOME BIOGENESIS DISORDER 1C. Identifiers: Orphanet 3220, MedGen C4551980, OMIM 234580, MONDO:0024544.
Peroxisome biogenesis disorder 1A (Zellweger) (PBD1A). Also called: Peroxisome biogenesis disorder 1a; Zellweger leukodystrophy. Identifiers: MedGen C4721541, MONDO:0008953, OMIM 214100.
Inborn genetic diseases. Identifiers: MedGen C0950123, MeSH D030342.
Zellweger spectrum disorders (ZS). Also called: Zellweger syndrome; Zellweger Spectrum Disorder (ZSD); Zellweger Spectrum Disorder; Zellweger Spectrum. Identifiers: Orphanet 912, MedGen C0043459, MONDO:0019609.

Allele frequency attached by ClinVar (database versions not stated): ExAC 0.00007; gnomAD 0.00021 and 0.00028; TOPMed 0.00029.
gnomAD v4.1: 70 of 1,611,908 alleles (0.0043%); highest among the groups gnomAD compares: African/African-American, 0.091%; no homozygotes.

Submissions (7):

PreventionGenetics, part of Exact Sciences
Classification: Uncertain significance for PEX1-related condition. Last evaluated: 2026-04-13. Review status: criteria provided, single submitter. Criteria: ACMG Guidelines, 2015. Collection method: clinical testing. Allele origin: germline.
Comment: The PEX1 c.3106G>T variant is predicted to result in the amino acid substitution p.Ala1036Ser. To our knowledge, this variant has not been reported in the literature. This variant is reported in 0.084% of alleles in individuals of African descent in gnomAD, which may be too frequent to be a primary cause of disease. Although we suspect that this variant may be benign, at this time, the clinical significance of this variant is uncertain due to the absence of conclusive functional and genetic evidence.

Labcorp Genetics (formerly Invitae), Labcorp
Classification: Likely benign for Zellweger spectrum disorders. Last evaluated: 2026-01-04. Review status: criteria provided, single submitter. Criteria: Invitae Variant Classification Sherloc (09022015). Collection method: clinical testing. Allele origin: germline.

Ambry Genetics
Classification: Uncertain significance for Inborn genetic diseases. Last evaluated: 2025-08-20. Review status: criteria provided, single submitter. Criteria: Ambry Variant Classification Scheme 2023. Collection method: clinical testing. Allele origin: germline.

Mayo Clinic Laboratories, Mayo Clinic
Classification: Uncertain significance. Last evaluated: 2022-11-14. Review status: criteria provided, single submitter. Criteria: ACMG Guidelines, 2015. Collection method: clinical testing. Allele origin: germline. Observed: 1 variant allele.
Comment: PP3, PM2

Fulgent Genetics
Classification: Uncertain significance for Peroxisome biogenesis disorder 1A (Zellweger); Heimler syndrome 1; Peroxisome biogenesis disorder 1B. Last evaluated: 2022-03-19. Review status: criteria provided, single submitter. Criteria: ACMG Guidelines, 2015. Collection method: clinical testing. Allele origin: unknown.

Eurofins Ntd Llc (ga)
Classification: Uncertain significance. Last evaluated: 2017-04-11. Review status: criteria provided, single submitter. Criteria: EGL Classification Definitions 2015. Collection method: clinical testing. Allele origin: germline. Observed: 2 variant alleles, 2 heterozygotes.

Natera, Inc.
Classification: Uncertain significance for Zellweger syndrome. Last evaluated: 2017-08-09. Review status: no assertion criteria provided. Collection method: clinical testing. Allele origin: germline. Not counted in ClinVar's aggregate classification.

NM_000466.3(PEX1):c.3106G>T (p.Ala1036Ser)

Genes: GATAD1 (GATA zinc finger domain containing 1; plus strand), PEX1 (peroxisomal biogenesis factor 1; minus strand). Cytogenetic location: 7q21.2.
Variant type: single nucleotide variant.
Coding change: c.3106G>T on transcript NM_000466.3 (MANE Select); coding-DNA position 3106, G replaced by T.
Protein change: p.Ala1036Ser; replaces alanine 1036 with serine.
Molecular consequence: missense variant.
Genome position (GRCh38, 1-based): chr7:92,493,054, C>A on the plus strand (G>T on the coding strand, the complement: PEX1 is on the minus strand). VCF-style: chr7-92493054-C-A. GRCh37 (hg19) VCF-style: chr7-92122368-C-A.
Other names: p.Ala1036Ser; c.2935G>T, p.Ala979Ser (NM_001282677.2); c.2482G>T, p.Ala828Ser (NM_001282678.2); short protein forms A1036S, A979S, A828S.
Identifiers: ClinVar variation 284663 (VCV000284663.18), dbSNP rs754130942, ClinGen allele CA4340902.